The following is an entry in ClinVar:

ClinVar aggregate classification (germline): Uncertain significance (1 of 4 stars; one submission).

Conditions:
SRPX2-related disorder. Also called: SRPX2-related condition.

Submission:

PreventionGenetics, part of Exact Sciences
Classification: Uncertain significance for SRPX2-related condition. Last evaluated: 2022-09-23. Review status: criteria provided, single submitter. Criteria: ACMG Guidelines, 2015. Collection method: clinical testing. Allele origin: germline.
Comment: The SRPX2 c.883G>C variant is predicted to result in the amino acid substitution p.Gly295Arg. To our knowledge, this variant has not been reported in the literature or in a large population database, indicating this variant is rare. At this time, the clinical significance of this variant is uncertain due to the absence of conclusive functional and genetic evidence.

NM_014467.3(SRPX2):c.883G>C (p.Gly295Arg)

Gene: SRPX2 (sushi repeat containing protein X-linked 2; plus strand). Cytogenetic location: Xq22.1.
Variant type: single nucleotide variant.
Coding change: c.883G>C on transcript NM_014467.3 (MANE Select); coding-DNA position 883, G replaced by C.
Protein change: p.Gly295Arg; replaces glycine 295 with arginine.
Molecular consequence: missense variant.
Genome position (GRCh38, 1-based): chrX:100,666,855, G>C. VCF-style: chrX-100666855-G-C. GRCh37 (hg19) VCF-style: chrX-99921852-G-C.
Other names: short protein forms G295R.
Identifiers: ClinVar variation 2637288 (VCV002637288.1), dbSNP rs1160881271, ClinGen allele CA413911389.